The following is an entry in ClinVar:

NM_003239.5(TGFB3):c.1081-1G>C

Gene: TGFB3 (transforming growth factor beta 3; minus strand). Cytogenetic location: 14q24.3.
Variant type: single nucleotide variant.
Coding change: c.1081-1G>C on transcript NM_003239.5 (MANE Select); the canonical splice acceptor site of the intron before coding-DNA position 1081, G replaced by C.
Molecular consequence: splice acceptor variant.
Genome position (GRCh38, 1-based): chr14:75,959,346, C>G on the plus strand (G>C on the coding strand, the complement: TGFB3 is on the minus strand). VCF-style: chr14-75959346-C-G. GRCh37 (hg19) VCF-style: chr14-76425689-C-G.
Other names: c.1081-1G>C (NM_001329939.2).
Identifiers: ClinVar variation 4714331 (VCV004714331.2).

ClinVar aggregate classification (germline): Conflicting classifications of pathogenicity. Review status: criteria provided, conflicting classifications (1 of 4 stars). 2 submissions from 2 submitters: Likely pathogenic (1); Uncertain significance (1). Last evaluated 2025-03-04.

Conditions:
TGFB3-related disorder. Also called: TGFB3-related condition.
Rienhoff syndrome. Also called: LOEYS-DIETZ SYNDROME 5. Identifiers: MedGen C3810012, MONDO:0014262, OMIM 615582.

Submissions (2):

Labcorp Genetics (formerly Invitae), Labcorp
Classification: Uncertain significance for Rienhoff syndrome. Last evaluated: 2025-03-04. Review status: criteria provided, single submitter. Criteria: Invitae Variant Classification Sherloc (09022015). Collection method: clinical testing. Allele origin: germline.
Comment: This sequence change affects an acceptor splice site in intron 6 of the TGFB3 gene. While this variant is not anticipated to result in nonsense mediated decay, it likely alters RNA splicing and results in a disrupted protein product. This variant is not present in population databases (gnomAD no frequency). This variant has not been reported in the literature in individuals affected with TGFB3-related conditions. Variants that disrupt the consensus splice site are a relatively common cause of aberrant splicing (PMID: 17576681, 9536098). Algorithms developed to predict the effect of sequence changes on RNA splicing suggest that this variant may disrupt the consensus splice site. In summary, the available evidence is currently insufficient to determine the role of this variant in disease. Therefore, it has been classified as a Variant of Uncertain Significance.

Blueprint Genetics
Classification: Likely pathogenic for TGFB3-related disorders. Last evaluated: 2022-05-30. Review status: criteria provided, single submitter. Criteria: ACMG Guidelines, 2015. Collection method: clinical testing. Allele origin: germline. Affected: yes. Observed: 2 variant alleles.

Literature cited by the submitters: PubMed 17576681 (cited by Labcorp Genetics (formerly Invitae), Labcorp); PubMed 9536098 (cited by Labcorp Genetics (formerly Invitae), Labcorp).